The following is an entry in ClinVar:

ClinVar aggregate classification (germline): Uncertain significance (1 of 4 stars; one submission).

Submission:

Labcorp Genetics (formerly Invitae), Labcorp
Classification: Uncertain significance. Last evaluated: 2025-10-09. Review status: criteria provided, single submitter. Criteria: Invitae Variant Classification Sherloc (09022015). Collection method: clinical testing. Allele origin: germline.
Comment: This sequence change replaces tyrosine, which is neutral and polar, with cysteine, which is neutral and slightly polar, at codon 8 of the RFWD3 protein (p.Tyr8Cys). This variant is present in population databases (no rsID available, gnomAD 0.002%). This variant has not been reported in the literature in individuals affected with RFWD3-related conditions. An algorithm developed to predict the effect of missense changes on protein structure and function outputs the following: PolyPhen-2: "Benign". The cysteine amino acid residue is found in multiple mammalian species, which suggests that this missense change does not adversely affect protein function. In summary, the available evidence is currently insufficient to determine the role of this variant in disease. Therefore, it has been classified as a Variant of Uncertain Significance.

NM_018124.4(RFWD3):c.23A>G (p.Tyr8Cys)

Gene: RFWD3 (ring finger and WD repeat domain 3; minus strand). Cytogenetic location: 16q23.1.
Variant type: single nucleotide variant.
Coding change: c.23A>G on transcript NM_018124.4 (MANE Select); coding-DNA position 23, A replaced by G.
Protein change: p.Tyr8Cys; replaces tyrosine 8 with cysteine.
Molecular consequence: missense variant. On other transcripts: 5 prime UTR variant (4), intron variant (1).
Genome position (GRCh38, 1-based): chr16:74,661,427, T>C on the plus strand (A>G on the coding strand, the complement: RFWD3 is on the minus strand). VCF-style: chr16-74661427-T-C. GRCh37 (hg19) VCF-style: chr16-74695325-T-C.
Other names: c.23A>G, p.Tyr8Cys (NM_001370534.1, NM_001370535.1, NM_001370536.1); c.-986A>G (NM_001370537.1); c.-609A>G (NM_001370539.1); c.-863A>G (NM_001370542.1); c.-741A>G (NM_001370543.1); c.-317+3197A>G (NM_001370540.1); short protein forms Y8C.
Identifiers: ClinVar variation 4752505 (VCV004752505.1).